The following is an entry in ClinVar:

ClinVar aggregate classification (germline): Uncertain significance (1 of 4 stars; one submission).

Conditions:
Hereditary cancer-predisposing syndrome. Also called: Neoplastic Syndromes, Hereditary; Tumor predisposition; Hereditary Cancer Syndrome; Hereditary neoplastic syndrome. Identifiers: Orphanet 140162, MedGen C0027672, MeSH D009386, MONDO:0015356.

Submission:

Ambry Genetics
Classification: Uncertain significance for Hereditary cancer-predisposing syndrome. Last evaluated: 2022-04-19. Review status: criteria provided, single submitter. Criteria: Ambry Variant Classification Scheme 2023. Collection method: clinical testing. Allele origin: germline.
Comment: The p.S533L variant (also known as c.1598C>T), located in coding exon 14 of the MRE11A gene, results from a C to T substitution at nucleotide position 1598. The serine at codon 533 is replaced by leucine, an amino acid with dissimilar properties. This amino acid position is conserved. In addition, this alteration is predicted to be tolerated by in silico analysis. Since supporting evidence is limited at this time, the clinical significance of this alteration remains unclear.

NM_005591.4(MRE11):c.1598C>T (p.Ser533Leu)

Gene: MRE11 (MRE11 double strand break repair nuclease; minus strand). Cytogenetic location: 11q21.
Variant type: single nucleotide variant.
Coding change: c.1598C>T on transcript NM_005591.4 (MANE Select); coding-DNA position 1598, C replaced by T.
Protein change: p.Ser533Leu; replaces serine 533 with leucine.
Molecular consequence: missense variant.
Genome position (GRCh38, 1-based): chr11:94,447,404, G>A on the plus strand (C>T on the coding strand, the complement: MRE11 is on the minus strand). VCF-style: chr11-94447404-G-A. GRCh37 (hg19) VCF-style: chr11-94180570-G-A.
Other names: c.1598C>T, p.Ser533Leu (NM_001330347.2, NM_005590.4); short protein forms S533L.
Identifiers: ClinVar variation 1800072 (VCV001800072.3), dbSNP rs2496297231, ClinGen allele CA382368694.